The following is an entry in ClinVar:

ClinVar aggregate classification (germline): Uncertain significance. Review status: criteria provided, multiple submitters, no conflicts (2 of 4 stars). 3 submissions from 3 submitters: Uncertain significance (3). Last evaluated 2025-09-01.

Conditions:
Inborn genetic diseases. Identifiers: MedGen C0950123, MeSH D030342.

Submissions (3):

Ambry Genetics
Classification: Uncertain significance for Inborn genetic diseases. Last evaluated: 2025-09-01. Review status: criteria provided, single submitter. Criteria: Ambry Variant Classification Scheme 2023. Collection method: clinical testing. Allele origin: germline.

Labcorp Genetics (formerly Invitae), Labcorp
Classification: Uncertain significance. Last evaluated: 2024-06-05. Review status: criteria provided, single submitter. Criteria: Invitae Variant Classification Sherloc (09022015). Collection method: clinical testing. Allele origin: germline.
Comment: This sequence change replaces glutamic acid, which is acidic and polar, with lysine, which is basic and polar, at codon 44 of the ETV6 protein (p.Glu44Lys). This variant is present in population databases (no rsID available, gnomAD 0.0009%). This variant has not been reported in the literature in individuals affected with ETV6-related conditions. Advanced modeling of protein sequence and biophysical properties (such as structural, functional, and spatial information, amino acid conservation, physicochemical variation, residue mobility, and thermodynamic stability) performed at Invitae indicates that this missense variant is not expected to disrupt ETV6 protein function with a negative predictive value of 80%. In summary, the available evidence is currently insufficient to determine the role of this variant in disease. Therefore, it has been classified as a Variant of Uncertain Significance.

GeneDx
Classification: Uncertain significance. Last evaluated: 2023-11-21. Review status: criteria provided, single submitter. Criteria: GeneDx Variant Classification Process June 2021. Collection method: clinical testing. Allele origin: germline. Affected: yes.
Comment: Not observed at significant frequency in large population cohorts (gnomAD); In silico analysis supports that this missense variant does not alter protein structure/function; Has not been previously published as pathogenic or benign to our knowledge

NM_001987.5(ETV6):c.130G>A (p.Glu44Lys)

Gene: ETV6 (ETS variant transcription factor 6; plus strand). Cytogenetic location: 12p13.2.
Variant type: single nucleotide variant.
Coding change: c.130G>A on transcript NM_001987.5 (MANE Select); coding-DNA position 130, G replaced by A.
Protein change: p.Glu44Lys; replaces glutamic acid 44 with lysine.
Molecular consequence: missense variant. On other transcripts: intron variant (1).
Genome position (GRCh38, 1-based): chr12:11,752,546, G>A. VCF-style: chr12-11752546-G-A. GRCh37 (hg19) VCF-style: chr12-11905480-G-A.
Other names: c.127G>A, p.Glu43Lys (NM_001413913.1); c.103G>A, p.Glu35Lys (NM_001413914.1); c.130G>A, p.Glu44Lys (NM_001413916.1, NM_001413917.1, NM_001413918.1); c.-101-86594G>A (NM_001413915.1); short protein forms E35K, E43K, E44K.
Identifiers: ClinVar variation 3340610 (VCV003340610.5).
Genomic context (GRCh38, chr12:11,752,546, plus strand): 5'-GTGCCGAGTTACGCTTCCTCGACGCCACTTCATGTTCCAGTGCCTCGAGCGCTCAGGATG[G>A]AGGAAGACTCGATCCGCCTGCCTGCGCACCTGCGTGAGTGTTCGTGACCCGAGAGGGACA-3'
Protein context (NP_001978.1, residues 34-54): HVPVPRALRM[Glu44Lys]EDSIRLPAHL